The following is an entry in ClinVar:

ClinVar aggregate classification (germline): Conflicting classifications of pathogenicity. Review status: criteria provided, conflicting classifications (1 of 4 stars). 6 submissions from 6 submitters: Uncertain significance (5); Likely benign (1). Last evaluated 2025-04-17.

Conditions:
Cardiovascular phenotype. Identifiers: MedGen CN230736.
Arrhythmogenic right ventricular dysplasia 8 (ARVD8). Also called: ARRHYTHMOGENIC RIGHT VENTRICULAR DYSPLASIA, FAMILIAL, 8; Arrhythmogenic Right Ventricular Dysplasia/Cardiomyopathy 8; ARRHYTHMOGENIC RIGHT VENTRICULAR CARDIOMYOPATHY 8. Identifiers: MedGen C1843896, MONDO:0011831, OMIM 607450.
Arrhythmogenic cardiomyopathy with wooly hair and keratoderma. Also called: Arrhythmogenic cardiomyopathy with woolly hair and keratoderma; Dilated cardiomyopathy with woolly hair and keratoderma; PALMOPLANTAR KERATODERMA WITH LEFT VENTRICULAR CARDIOMYOPATHY AND WOOLLY HAIR; Carvajal syndrome. Identifiers: Orphanet 65282, MedGen C1854063, MONDO:0011581, OMIM 605676.
Cardiomyopathy (CMYO). Also called: Cardiomyopathies. Identifiers: Orphanet 167848, MedGen C0878544, MONDO:0004994, HP:0001638. Inheritance: Various modes of inheritance.

Allele frequency attached by ClinVar (database versions not stated): gnomAD exomes below 0.00001 and 0.00001; TOPMed below 0.00001; ExAC 0.00001.

Submissions (6):

GeneDx
Classification: Uncertain significance. Last evaluated: 2025-04-17. Review status: criteria provided, single submitter. Criteria: GeneDx Variant Classification Process June 2021. Collection method: clinical testing. Allele origin: germline. Affected: yes.
Comment: Not observed at significant frequency in large population cohorts (gnomAD); In silico analysis supports that this missense variant has a deleterious effect on protein structure/function; Has not been previously published as pathogenic or benign to our knowledge

Labcorp Genetics (formerly Invitae), Labcorp
Classification: Likely benign for Arrhythmogenic cardiomyopathy with wooly hair and keratoderma; Arrhythmogenic right ventricular dysplasia 8. Last evaluated: 2024-11-21. Review status: criteria provided, single submitter. Criteria: Invitae Variant Classification Sherloc (09022015). Collection method: clinical testing. Allele origin: germline.

Ambry Genetics
Classification: Uncertain significance for Cardiovascular phenotype. Last evaluated: 2024-02-04. Review status: criteria provided, single submitter. Criteria: Ambry Variant Classification Scheme 2023. Collection method: clinical testing. Allele origin: germline.
Comment: The p.Y2528C variant (also known as c.7583A>G), located in coding exon 24 of the DSP gene, results from an A to G substitution at nucleotide position 7583. The tyrosine at codon 2528 is replaced by cysteine, an amino acid with highly dissimilar properties. This amino acid position is conserved. In addition, this alteration is predicted to be deleterious by in silico analysis. Based on the available evidence, the clinical significance of this alteration remains unclear.

All of Us Research Program, National Institutes of Health
Classification: Uncertain significance for Arrhythmogenic cardiomyopathy with wooly hair and keratoderma. Last evaluated: 2023-11-02. Review status: criteria provided, single submitter. Criteria: ACMG Guidelines, 2015. Collection method: clinical testing. Allele origin: germline. Inheritance: Autosomal dominant inheritance. Observed: 1 variant allele, 1 heterozygote.
Comment: This missense variant replaces tyrosine with cysteine at codon 2528 of the DSP protein. Computational prediction is inconclusive regarding the impact of this variant on protein structure and function (internally defined REVEL score threshold 0.5 < inconclusive < 0.7, PMID: 27666373). To our knowledge, functional studies have not been reported for this variant. This variant has not been reported in individuals affected with DSP-related disorders in the literature. This variant has been identified in 3/251494 chromosomes in the general population by the Genome Aggregation Database (gnomAD). The available evidence is insufficient to determine the role of this variant in disease conclusively. Therefore, this variant is classified as a Variant of Uncertain Significance.

This study involves interpretation of variants in research participants for the purpose of population health screening. Participant phenotype was not available at the time of variant classification. Additional details can be found in publication PMID: 35346344, PMCID: PMC8962531

Women's Health and Genetics/Laboratory Corporation of America, LabCorp
Classification: Uncertain significance. Last evaluated: 2018-10-01. Review status: criteria provided, single submitter. Criteria: LabCorp Variant Classification Summary - May 2015. Collection method: clinical testing. Allele origin: germline.
Comment: Variant summary: DSP c.7583A>G (p.Tyr2528Cys) results in a non-conservative amino acid change located in the Plectin repeat of the encoded protein sequence. Four of five in-silico tools predict a damaging effect of the variant on protein function. The variant allele was found at a frequency of 1.2e-05 in 246270 control chromosomes. The available data on variant occurrences in the general population are insufficient to allow any conclusion about variant significance. To our knowledge, no occurrence of c.7583A>G in individuals affected with Cardiomyopathy and no experimental evidence demonstrating its impact on protein function have been reported. No clinical diagnostic laboratories have submitted clinical-significance assessments for this variant to ClinVar after 2014. Based on the evidence outlined above, the variant was classified as uncertain significance.

CHEO Genetics Diagnostic Laboratory, Children's Hospital of Eastern Ontario
Classification: Uncertain significance for Cardiomyopathy. Last evaluated: 2018-03-22. Review status: criteria provided, single submitter. Criteria: ACMG Guidelines, 2015. Collection method: clinical testing. Allele origin: germline.

NM_004415.4(DSP):c.7583A>G (p.Tyr2528Cys)

Gene: DSP (desmoplakin; plus strand). Cytogenetic location: 6p24.3.
Variant type: single nucleotide variant.
Coding change: c.7583A>G on transcript NM_004415.4 (MANE Select); coding-DNA position 7583, A replaced by G.
Protein change: p.Tyr2528Cys; replaces tyrosine 2528 with cysteine.
Molecular consequence: missense variant.
Genome position (GRCh38, 1-based): chr6:7,584,845, A>G. VCF-style: chr6-7584845-A-G. GRCh37 (hg19) VCF-style: chr6-7585078-A-G.
Other names: c.7583A>G (LRG_423t1); c.5786A>G, p.Tyr1929Cys (NM_001008844.3); c.6254A>G, p.Tyr2085Cys (NM_001319034.2); short protein forms Y2528C, Y1929C, Y2085C.
Identifiers: ClinVar variation 632787 (VCV000632787.10), dbSNP rs746932951, ClinGen allele CA050178.